The following is an entry in ClinVar:

NM_004304.5(ALK):c.1977C>G (p.Asn659Lys)

Gene: ALK (ALK receptor tyrosine kinase; minus strand). Cytogenetic location: 2p23.2.
Variant type: single nucleotide variant.
Coding change: c.1977C>G on transcript NM_004304.5 (MANE Select); coding-DNA position 1977, C replaced by G.
Protein change: p.Asn659Lys; replaces asparagine 659 with lysine.
Molecular consequence: missense variant.
Genome position (GRCh38, 1-based): chr2:29,275,163, G>C on the plus strand (C>G on the coding strand, the complement: ALK is on the minus strand). VCF-style: chr2-29275163-G-C. GRCh37 (hg19) VCF-style: chr2-29498029-G-C.
Other names: short protein forms N659K.
Identifiers: ClinVar variation 538263 (VCV000538263.16), dbSNP rs780562062, ClinGen allele CA346479696.
Genomic context (GRCh38, chr2:29,275,163, plus strand): 5'-AGGGTCAAAGATGGGGGTCTGTCTTGGTGAATTTTCCCCGGGTTTCAGCTCCTTGTTTGG[G>C]TTTCTCTCAAACAGGTTTCTTGATTTGGGTGCTGTATTCTGCAGGATCTTGTCCTCTCCG-3'
Protein context (NP_004295.2, residues 649-669): APKSRNLFER[Asn659Lys]PNKELKPGEN

ClinVar aggregate classification (germline): Uncertain significance. Review status: criteria provided, multiple submitters, no conflicts (2 of 4 stars). 5 submissions from 4 submitters: Uncertain significance (5). Last evaluated 2026-01-31.

Conditions:
Hereditary cancer-predisposing syndrome. Also called: Neoplastic Syndromes, Hereditary; Hereditary Cancer Syndrome; Tumor predisposition; Hereditary neoplastic syndrome. Identifiers: Orphanet 140162, MedGen C0027672, MeSH D009386, MONDO:0015356.
Neuroblastoma, susceptibility to, 3. Also called: ALK-Related Neuroblastic Tumor Susceptibility. Identifiers: Orphanet 635, MedGen C2751681, MONDO:0013083, OMIM 613014.

Allele frequency attached by ClinVar (database versions not stated): gnomAD exomes 0.00001; TOPMed 0.00002.
gnomAD v4.1: 15 of 1,614,022 alleles (0.00093%); highest among the groups gnomAD compares: Non-Finnish European, 0.0012%; no homozygotes.

Submissions (5):

Labcorp Genetics (formerly Invitae), Labcorp
Classification: Uncertain significance for Neuroblastoma, susceptibility to, 3. Last evaluated: 2026-01-31. Review status: criteria provided, single submitter. Criteria: Invitae Variant Classification Sherloc (09022015). Collection method: clinical testing. Allele origin: germline.
Comment: This sequence change replaces asparagine, which is neutral and polar, with lysine, which is basic and polar, at codon 659 of the ALK protein (p.Asn659Lys). This variant is present in population databases (no rsID available, gnomAD 0.004%). This variant has not been reported in the literature in individuals affected with ALK-related conditions. ClinVar contains an entry for this variant (Variation ID: 538263). An algorithm developed to predict the effect of missense changes on protein structure and function (PolyPhen-2) suggests that this variant is likely to be tolerated. In summary, the available evidence is currently insufficient to determine the role of this variant in disease. Therefore, it has been classified as a Variant of Uncertain Significance.

Dasa
Classification: Uncertain significance. Last evaluated: 2025-07-22. Review status: criteria provided, single submitter. Criteria: DASA Assertion Criteria. Collection method: clinical testing. Allele origin: germline.
Comment: NM_004304.5(ALK):c.1977C>G (p.Asn659Lys) is a missense variant that results in the substitution of asparagine with lysine. This variant is rare in population databases. Computational prediction algorithms are consistent with a benign effect. The currently available literature and clinical evidence are not sufficient to establish a definitive association between this variant and the reported condition. Therefore, this variant is classified as a variant of uncertain significance.

Ambry Genetics
Classification: Uncertain significance for Hereditary cancer-predisposing syndrome. Last evaluated: 2024-03-13. Review status: criteria provided, single submitter. Criteria: Ambry Variant Classification Scheme 2023. Collection method: clinical testing. Allele origin: germline.
Comment: The p.N659K variant (also known as c.1977C>G), located in coding exon 11 of the ALK gene, results from a C to G substitution at nucleotide position 1977. The asparagine at codon 659 is replaced by lysine, an amino acid with similar properties. This amino acid position is conserved. In addition, this alteration is predicted to be tolerated by in silico analysis. Since supporting evidence is limited at this time, the clinical significance of this alteration remains unclear.

Baylor Genetics
Classification: Uncertain significance for Neuroblastoma, susceptibility to, 3. Last evaluated: 2023-07-08. Review status: criteria provided, single submitter. Criteria: ACMG Guidelines, 2015. Collection method: clinical testing. Allele origin: unknown.

Baylor Genetics
Classification: Uncertain significance for Neuroblastoma, susceptibility to, 3. Last evaluated: 2022-01-25. Review status: criteria provided, single submitter. Criteria: ACMG Guidelines, 2015. Collection method: clinical testing. Allele origin: paternal. Affected: yes. Study: CSER-TexasKidsCanSeq.
Comment: This variant was determined to be of uncertain significance according to ACMG Guidelines, 2015 [PMID:25741868].